The following is an entry in ClinVar:

ClinVar aggregate classification (germline): Uncertain significance. Review status: criteria provided, multiple submitters, no conflicts (2 of 4 stars). 3 submissions from 3 submitters: Uncertain significance (3). Last evaluated 2026-01-09.

Conditions:
Cardiovascular phenotype. Identifiers: MedGen CN230736.

Allele frequency attached by ClinVar (database versions not stated): gnomAD exomes 0.00001; ExAC 0.00005.
gnomAD v4.1: 4 of 1,550,406 alleles (0.00026%); highest among the groups gnomAD compares: Non-Finnish European, 0.00035%; no homozygotes.

Submissions (3):

Women's Health and Genetics/Laboratory Corporation of America, LabCorp
Classification: Uncertain significance. Last evaluated: 2026-01-09. Review status: criteria provided, single submitter. Criteria: LabCorp Variant Classification Summary - May 2015. Collection method: clinical testing. Allele origin: germline.
Comment: Variant summary: ZNF469 c.5281A>G (p.Ser1761Gly) results in a non-conservative amino acid change in the encoded protein sequence. Algorithms developed to predict the effect of missense changes on protein structure and function are either unavailable or do not agree on the potential impact of this missense change. The variant allele was found at a frequency of 6.6e-06 in 152534 control chromosomes. The available data on variant occurrences in the general population are insufficient to allow any conclusion about variant significance. To our knowledge, no occurrence of c.5281A>G in individuals affected with ZNF469-related conditions and no experimental evidence demonstrating its impact on protein function have been reported. ClinVar contains an entry for this variant (Variation ID: 2258680). Based on the evidence outlined above, the variant was classified as uncertain significance.

Ambry Genetics
Classification: Uncertain significance for Cardiovascular phenotype. Last evaluated: 2024-12-29. Review status: criteria provided, single submitter. Criteria: Ambry Variant Classification Scheme 2023. Collection method: clinical testing. Allele origin: germline.
Comment: The p.S1733G variant (also known as c.5197A>G), located in coding exon 2 of the ZNF469 gene, results from an A to G substitution at nucleotide position 5197. The serine at codon 1733 is replaced by glycine, an amino acid with similar properties. This amino acid position is conserved. In addition, this alteration is predicted to be tolerated by in silico analysis. Based on the available evidence, the clinical significance of this variant remains unclear.

Mayo Clinic Laboratories, Mayo Clinic
Classification: Uncertain significance. Last evaluated: 2023-03-22. Review status: criteria provided, single submitter. Criteria: ACMG Guidelines, 2015. Collection method: clinical testing. Allele origin: germline. Observed: 1 variant allele.
Comment: BP4, PM2_supporting

NM_001367624.2(ZNF469):c.5281A>G (p.Ser1761Gly)

Gene: ZNF469 (zinc finger protein 469; plus strand). Cytogenetic location: 16q24.2.
Variant type: single nucleotide variant.
Coding change: c.5281A>G on transcript NM_001367624.2 (MANE Select); coding-DNA position 5281, A replaced by G.
Protein change: p.Ser1761Gly; replaces serine 1761 with glycine.
Molecular consequence: missense variant.
Genome position (GRCh38, 1-based): chr16:88,432,751, A>G. VCF-style: chr16-88432751-A-G. GRCh37 (hg19) VCF-style: chr16-88499159-A-G.
Other names: NM_001127464.1:c.5197A>G; p.Ser1761Gly; short protein forms S1761G.
Identifiers: ClinVar variation 2258680 (VCV002258680.6), dbSNP rs757365430, ClinGen allele CA8225060.